The following is an entry in ClinVar:

ClinVar aggregate classification (germline): Uncertain significance (1 of 4 stars; one submission).

Allele frequency attached by ClinVar (database versions not stated): ExAC 0.00001.
gnomAD v4.1: 3 of 1,613,186 alleles (0.00019%); highest among the groups gnomAD compares: Non-Finnish European, 0.00025%; no homozygotes.

Submission:

Labcorp Genetics (formerly Invitae), Labcorp
Classification: Uncertain significance. Last evaluated: 2023-10-17. Review status: criteria provided, single submitter. Criteria: Invitae Variant Classification Sherloc (09022015). Collection method: clinical testing. Allele origin: germline.
Comment: This sequence change replaces glycine, which is neutral and non-polar, with arginine, which is basic and polar, at codon 454 of the ZNF687 protein (p.Gly454Arg). This variant is present in population databases (rs587759102, gnomAD 0.0009%). This variant has not been reported in the literature in individuals affected with ZNF687-related conditions. An algorithm developed to predict the effect of missense changes on protein structure and function (PolyPhen-2) suggests that this variant is likely to be tolerated. In summary, the available evidence is currently insufficient to determine the role of this variant in disease. Therefore, it has been classified as a Variant of Uncertain Significance.

NM_020832.3(ZNF687):c.1360G>C (p.Gly454Arg)

Gene: ZNF687 (zinc finger protein 687; plus strand). Cytogenetic location: 1q21.3.
Variant type: single nucleotide variant.
Coding change: c.1360G>C on transcript NM_020832.3 (MANE Select); coding-DNA position 1360, G replaced by C.
Protein change: p.Gly454Arg; replaces glycine 454 with arginine.
Molecular consequence: missense variant.
Genome position (GRCh38, 1-based): chr1:151,287,651, G>C. VCF-style: chr1-151287651-G-C. GRCh37 (hg19) VCF-style: chr1-151260127-G-C.
Other names: c.1360G>C, p.Gly454Arg (NM_001304763.2, NM_001304764.2); short protein forms G454R.
Identifiers: ClinVar variation 2769637 (VCV002769637.3), dbSNP rs587759102, ClinGen allele CA1088320.